The following is an entry in ClinVar:

NM_014727.3(KMT2B):c.5515C>A (p.Gln1839Lys)

Gene: KMT2B (lysine methyltransferase 2B; plus strand). Cytogenetic location: 19q13.12.
Variant type: single nucleotide variant.
Coding change: c.5515C>A on transcript NM_014727.3 (MANE Select); coding-DNA position 5515, C replaced by A.
Protein change: p.Gln1839Lys; replaces glutamine 1839 with lysine.
Molecular consequence: missense variant.
Genome position (GRCh38, 1-based): chr19:35,731,985, C>A. VCF-style: chr19-35731985-C-A. GRCh37 (hg19) VCF-style: chr19-36222886-C-A.
Other names: short protein forms Q1839K.
Identifiers: ClinVar variation 2743854 (VCV002743854.3), dbSNP rs2513349083, ClinGen allele CA405422168.
Genomic context (GRCh38, chr19:35,731,985, plus strand): 5'-GACCCCCCACTGGACACAGATGTTCTTGTCCCTGGAGCTCCTGAGCGCCACTCGCCCATT[C>A]AGAACCTGGACCCTCCACTGCGGCCAGATTCAGGCAGCGCCCCTCCTCCAGCCCCCCGTT-3'
Protein context (NP_055542.1, residues 1829-1849): PGAPERHSPI[Gln1839Lys]NLDPPLRPDS

ClinVar aggregate classification (germline): Uncertain significance (1 of 4 stars; one submission).

Submission:

Labcorp Genetics (formerly Invitae), Labcorp
Classification: Uncertain significance. Last evaluated: 2023-07-16. Review status: criteria provided, single submitter. Criteria: Invitae Variant Classification Sherloc (09022015). Collection method: clinical testing. Allele origin: germline.
Comment: In summary, the available evidence is currently insufficient to determine the role of this variant in disease. Therefore, it has been classified as a Variant of Uncertain Significance. Advanced modeling of protein sequence and biophysical properties (such as structural, functional, and spatial information, amino acid conservation, physicochemical variation, residue mobility, and thermodynamic stability) performed at Invitae indicates that this missense variant is not expected to disrupt KMT2B protein function. This variant has not been reported in the literature in individuals affected with KMT2B-related conditions. This variant is not present in population databases (gnomAD no frequency). This sequence change replaces glutamine, which is neutral and polar, with lysine, which is basic and polar, at codon 1839 of the KMT2B protein (p.Gln1839Lys).